The following is an entry in ClinVar:

NM_002291.3(LAMB1):c.1945G>A (p.Asp649Asn)

Gene: LAMB1 (laminin subunit beta 1; minus strand). Cytogenetic location: 7q31.1.
Variant type: single nucleotide variant.
Coding change: c.1945G>A on transcript NM_002291.3 (MANE Select); coding-DNA position 1945, G replaced by A.
Protein change: p.Asp649Asn; replaces aspartic acid 649 with asparagine.
Molecular consequence: missense variant.
Genome position (GRCh38, 1-based): chr7:107,961,589, C>T on the plus strand (G>A on the coding strand, the complement: LAMB1 is on the minus strand). VCF-style: chr7-107961589-C-T. GRCh37 (hg19) VCF-style: chr7-107602034-C-T.
Other names: short protein forms D649N.
Identifiers: ClinVar variation 435721 (VCV000435721.18), dbSNP rs142386151, ClinGen allele CA4435819.

ClinVar aggregate classification (germline): Conflicting classifications of pathogenicity. Review status: criteria provided, conflicting classifications (1 of 4 stars). 5 submissions from 5 submitters: Uncertain significance (1); Likely benign (4). Last evaluated 2026-02-05.

Conditions:
LAMB1-related disorder. Also called: LAMB1-related condition.

Allele frequency attached by ClinVar (database versions not stated): gnomAD exomes 0.00013 and 0.00037; ExAC 0.00040; 1000 Genomes Project 30x 0.00094; 1000 Genomes Project 0.00120; TOPMed 0.00139; gnomAD 0.00141 and 0.00147; ESP Exome Variant Server 0.00154.
gnomAD v4.1: 409 of 1,614,076 alleles (0.025%); highest among the groups gnomAD compares: African/African-American, 0.42%; 3 homozygotes.

Submissions (5):

PreventionGenetics, part of Exact Sciences
Classification: Likely benign for LAMB1-related condition. Last evaluated: 2026-02-05. Review status: criteria provided, single submitter. Criteria: ACMG Guidelines, 2015. Collection method: clinical testing. Allele origin: germline.
Comment: This variant is classified as likely benign based on ACMG/AMP sequence variant interpretation guidelines (Richards et al. 2015 PMID: 25741868, with internal and published modifications).

Labcorp Genetics (formerly Invitae), Labcorp
Classification: Likely benign. Last evaluated: 2025-12-27. Review status: criteria provided, single submitter. Criteria: Invitae Variant Classification Sherloc (09022015). Collection method: clinical testing. Allele origin: germline.

Blueprint Genetics
Classification: Likely benign. Last evaluated: 2024-07-02. Review status: criteria provided, single submitter. Criteria: ACMG Guidelines, 2015. Collection method: clinical testing. Allele origin: germline.

GeneDx
Classification: Likely benign. Last evaluated: 2019-10-07. Review status: criteria provided, single submitter. Criteria: GeneDx Variant Classification Process June 2021. Collection method: clinical testing. Allele origin: germline. Affected: yes.

Genetic Services Laboratory, University of Chicago
Classification: Uncertain significance. Last evaluated: 2016-12-01. Review status: criteria provided, single submitter. Criteria: ACMG Guidelines, 2015. Collection method: clinical testing. Allele origin: germline. Affected: no.